The following is an entry in ClinVar:

ClinVar aggregate classification (germline): Conflicting classifications of pathogenicity. Review status: criteria provided, conflicting classifications (1 of 4 stars). 3 submissions from 3 submitters: Uncertain significance (1); Likely benign (1). 1 of the submissions does not count toward it. Last evaluated 2024-11-26.

Conditions:
Peroxisome biogenesis disorder 8A (Zellweger). Also called: Peroxisome biogenesis disorder 8A. Identifiers: Orphanet 912, MedGen C3553959, MONDO:0013942, OMIM 614876.
PEX16-related disorder. Also called: PEX16-related condition.

Allele frequency attached by ClinVar (database versions not stated): ESP Exome Variant Server 0.00046; gnomAD 0.00054 and 0.00055; gnomAD exomes 0.00054 and 0.00065; TOPMed 0.00057; ExAC 0.00059.
gnomAD v4.1: 1,010 of 1,608,722 alleles (0.063%); highest among the groups gnomAD compares: Non-Finnish European, 0.078%; 2 homozygotes.

Submissions (3):

Blueprint Genetics
Classification: Likely benign. Last evaluated: 2024-11-26. Review status: criteria provided, single submitter. Criteria: ACMG Guidelines, 2015. Collection method: clinical testing. Allele origin: germline.

Illumina Laboratory Services, Illumina
Classification: Uncertain significance for Peroxisome biogenesis disorder 8A (Zellweger). Last evaluated: 2018-01-12. Review status: criteria provided, single submitter. Criteria: ICSL Variant Classification Criteria 13 December 2019. Collection method: clinical testing. Allele origin: germline.

PreventionGenetics, part of Exact Sciences
Classification: Likely benign for PEX16-related condition. Last evaluated: 2019-08-29. Review status: no assertion criteria provided. Collection method: clinical testing. Allele origin: germline. Not counted in ClinVar's aggregate classification.
Comment: This variant is classified as likely benign based on ACMG/AMP sequence variant interpretation guidelines (Richards et al. 2015 PMID: 25741868, with internal and published modifications).

NM_004813.4(PEX16):c.*175C>A

Gene: PEX16 (peroxisomal biogenesis factor 16; minus strand). Cytogenetic location: 11p11.2.
Variant type: single nucleotide variant.
Coding change: c.*175C>A on transcript NM_004813.4 (MANE Select); 175 bases downstream of the stop codon, C replaced by A.
Molecular consequence: 3 prime UTR variant.
Genome position (GRCh38, 1-based): chr11:45,910,079, G>T on the plus strand (C>A on the coding strand, the complement: PEX16 is on the minus strand). VCF-style: chr11-45910079-G-T. GRCh37 (hg19) VCF-style: chr11-45931630-G-T.
Other names: c.*10C>A (NM_057174.3).
Identifiers: ClinVar variation 879237 (VCV000879237.7), dbSNP rs375099703, ClinGen allele CA5959669.